The following is an entry in ClinVar:

NM_014679.5(CEP57):c.94T>C (p.Ser32Pro)

Gene: CEP57 (centrosomal protein 57; plus strand). Cytogenetic location: 11q21.
Variant type: single nucleotide variant.
Coding change: c.94T>C on transcript NM_014679.5 (MANE Select); coding-DNA position 94, T replaced by C.
Protein change: p.Ser32Pro; replaces serine 32 with proline.
Molecular consequence: missense variant.
Genome position (GRCh38, 1-based): chr11:95,799,280, T>C. VCF-style: chr11-95799280-T-C. GRCh37 (hg19) VCF-style: chr11-95532444-T-C.
Other names: c.13T>C, p.Ser5Pro (NM_001440875.1, NM_001440877.1, NM_001440878.1 and 4 more transcripts); c.94T>C, p.Ser32Pro (NM_001440876.1, NM_001440879.1, NM_001440881.1 and 6 more transcripts); c.67T>C, p.Ser23Pro (NM_001243776.2); short protein forms S23P, S32P, S5P.
Identifiers: ClinVar variation 4868760 (VCV004868760.1).

ClinVar aggregate classification (germline): Uncertain significance (1 of 4 stars; one submission).

Conditions:
Inborn genetic diseases. Identifiers: MedGen C0950123, MeSH D030342.

gnomAD v4.1: 1 of 1,614,120 alleles (0.000062%); highest among the groups gnomAD compares: Admixed American, 0.0017%; no homozygotes.

Submission:

Ambry Genetics
Classification: Uncertain significance for Inborn genetic diseases. Last evaluated: 2026-04-25. Review status: criteria provided, single submitter. Criteria: Ambry Variant Classification Scheme 2023. Collection method: clinical testing. Allele origin: germline.
Comment: The p.S32P variant (also known as c.94T>C), located in coding exon 2 of the CEP57 gene, results from a T to C substitution at nucleotide position 94. The serine at codon 32 is replaced by proline, an amino acid with similar properties. This amino acid position is conserved. In addition, the in silico prediction for this alteration is inconclusive. Based on the available evidence, the clinical significance of this variant remains unclear.